The following is an entry in ClinVar:

ClinVar aggregate classification (germline): Uncertain significance (1 of 4 stars; one submission).

Conditions:
Hereditary cancer-predisposing syndrome. Also called: Neoplastic Syndromes, Hereditary; Tumor predisposition; Hereditary neoplastic syndrome; Hereditary Cancer Syndrome. Identifiers: Orphanet 140162, MedGen C0027672, MeSH D009386, MONDO:0015356.

Submission:

Ambry Genetics
Classification: Uncertain significance for Hereditary cancer-predisposing syndrome. Last evaluated: 2022-11-13. Review status: criteria provided, single submitter. Criteria: Ambry Variant Classification Scheme 2023. Collection method: clinical testing. Allele origin: germline.
Comment: The p.A224D variant (also known as c.671C>A), located in coding exon 7 of the TSC2 gene, results from a C to A substitution at nucleotide position 671. The alanine at codon 224 is replaced by aspartic acid, an amino acid with dissimilar properties. This amino acid position is conserved. In addition, this alteration is predicted to be deleterious by in silico analysis. Since supporting evidence is limited at this time, the clinical significance of this alteration remains unclear.

NM_000548.5(TSC2):c.671C>A (p.Ala224Asp)

Gene: TSC2 (TSC complex subunit 2; plus strand). Cytogenetic location: 16p13.3.
Variant type: single nucleotide variant.
Coding change: c.671C>A on transcript NM_000548.5 (MANE Select); coding-DNA position 671, C replaced by A.
Protein change: p.Ala224Asp; replaces alanine 224 with aspartic acid.
Molecular consequence: missense variant. On other transcripts: 5 prime UTR variant (10), non-coding transcript variant (5).
Genome position (GRCh38, 1-based): chr16:2,056,666, C>A. VCF-style: chr16-2056666-C-A. GRCh37 (hg19) VCF-style: chr16-2106667-C-A.
Other names: c.671C>A, p.Ala224Asp (NM_001077183.3, NM_001114382.3, NM_001363528.2 and 6 more transcripts); c.560C>A, p.Ala187Asp (NM_001318827.2, NM_001406670.1, NM_001406678.1); c.524C>A, p.Ala175Asp (NM_001318829.2, NM_001406675.1, NM_001406676.1 and 1 more transcripts); c.71C>A, p.Ala24Asp (NM_001318831.2, NM_001406680.1, NM_001406682.1 and 6 more transcripts); c.704C>A, p.Ala235Asp (NM_001318832.2); c.761C>A, p.Ala254Asp (NM_001406667.1, NM_001406668.1); c.659C>A, p.Ala220Asp (NM_001406671.1, NM_001406673.1); c.614C>A, p.Ala205Asp (NM_001406677.1); and 4 more; short protein forms A187D, A175D, A24D, A254D, A205D, A224D, A235D, A70D.
Identifiers: ClinVar variation 2449952 (VCV002449952.2), dbSNP rs2151078164, ClinGen allele CA394312465.